The following is an entry in ClinVar:

ClinVar aggregate classification (germline): Uncertain significance (1 of 4 stars; one submission).

gnomAD v4.1: 3 of 1,610,396 alleles (0.00019%); highest among the groups gnomAD compares: Non-Finnish European, 0.00025%; no homozygotes.

Submission:

Labcorp Genetics (formerly Invitae), Labcorp
Classification: Uncertain significance. Last evaluated: 2024-10-30. Review status: criteria provided, single submitter. Criteria: Invitae Variant Classification Sherloc (09022015). Collection method: clinical testing. Allele origin: germline.
Comment: This sequence change replaces isoleucine, which is neutral and non-polar, with threonine, which is neutral and polar, at codon 225 of the SUCLG2 protein (p.Ile225Thr). This variant is not present in population databases (gnomAD no frequency). This variant has not been reported in the literature in individuals affected with SUCLG2-related conditions. An algorithm developed to predict the effect of missense changes on protein structure and function (PolyPhen-2) suggests that this variant is likely to be disruptive. In summary, the available evidence is currently insufficient to determine the role of this variant in disease. Therefore, it has been classified as a Variant of Uncertain Significance.

NM_003848.4(SUCLG2):c.674T>C (p.Ile225Thr)

Gene: SUCLG2 (succinate-CoA ligase GDP-forming subunit beta; minus strand). Cytogenetic location: 3p14.1.
Variant type: single nucleotide variant.
Coding change: c.674T>C on transcript NM_003848.4 (MANE Select); coding-DNA position 674, T replaced by C.
Protein change: p.Ile225Thr; replaces isoleucine 225 with threonine.
Molecular consequence: missense variant.
Genome position (GRCh38, 1-based): chr3:67,508,890, A>G on the plus strand (T>C on the coding strand, the complement: SUCLG2 is on the minus strand). VCF-style: chr3-67508890-A-G. GRCh37 (hg19) VCF-style: chr3-67559314-A-G.
Other names: c.674T>C, p.Ile225Thr (NM_001177599.2); short protein forms I225T.
Identifiers: ClinVar variation 3618036 (VCV003618036.2).